The following is an entry in ClinVar:

NM_001191061.2(SLC25A22):c.439C>T (p.Gln147Ter)

Gene: SLC25A22 (solute carrier family 25 member 22; minus strand). Cytogenetic location: 11p15.5.
Variant type: single nucleotide variant.
Coding change: c.439C>T on transcript NM_001191061.2 (MANE Select); coding-DNA position 439, C replaced by T.
Protein change: p.Gln147Ter; replaces glutamine 147 with a stop codon.
Molecular consequence: nonsense.
Genome position (GRCh38, 1-based): chr11:792,701, G>A on the plus strand (C>T on the coding strand, the complement: SLC25A22 is on the minus strand). VCF-style: chr11-792701-G-A. GRCh37 (hg19) VCF-style: chr11-792701-G-A.
Other names: c.439C>T, p.Gln147Ter (NM_001191060.2, NM_024698.6); short protein forms Q147*.
Identifiers: ClinVar variation 2019573 (VCV002019573.4), dbSNP rs768343995, ClinGen allele CA5789177.

ClinVar aggregate classification (germline): Pathogenic (1 of 4 stars; one submission).

Conditions:
Early-infantile DEE. Also called: Early infantile epileptic encephalopathy; Ohtahara syndrome; Early infantile epileptic encephalopathy with suppression bursts. Identifiers: Orphanet 1934, MedGen C0393706, MONDO:0800491.

Submission:

Labcorp Genetics (formerly Invitae), Labcorp
Classification: Pathogenic for Early-infantile DEE. Last evaluated: 2022-09-07. Review status: criteria provided, single submitter. Criteria: Invitae Variant Classification Sherloc (09022015). Collection method: clinical testing. Allele origin: germline.
Comment: For these reasons, this variant has been classified as Pathogenic. This variant has not been reported in the literature in individuals affected with SLC25A22-related conditions. This variant is not present in population databases (gnomAD no frequency). This sequence change creates a premature translational stop signal (p.Gln147*) in the SLC25A22 gene. It is expected to result in an absent or disrupted protein product. Loss-of-function variants in SLC25A22 are known to be pathogenic (PMID: 15592994, 19780765).

Literature cited by the submitters: PubMed 15592994; PubMed 19780765.